The following is an entry in ClinVar:

NM_001190787.3(MCIDAS):c.162G>T (p.Gly54=)

Gene: MCIDAS (multiciliate differentiation and DNA synthesis associated cell cycle protein; minus strand). Cytogenetic location: 5q11.2.
Variant type: single nucleotide variant.
Coding change: c.162G>T on transcript NM_001190787.3 (MANE Select); coding-DNA position 162, G replaced by T.
Protein change: p.Gly54=; no amino-acid change (glycine 54 retained).
Molecular consequence: synonymous variant.
Genome position (GRCh38, 1-based): chr5:55,226,890, C>A on the plus strand (G>T on the coding strand, the complement: MCIDAS is on the minus strand). VCF-style: chr5-55226890-C-A. GRCh37 (hg19) VCF-style: chr5-54522718-C-A.
Other names: p.Gly54=.
Identifiers: ClinVar variation 454526 (VCV000454526.14), dbSNP rs190259474, ClinGen allele CA3266597.

ClinVar aggregate classification (germline): Benign/Likely benign. Review status: criteria provided, multiple submitters, no conflicts (2 of 4 stars). 4 submissions from 4 submitters: Benign (1); Likely benign (3). Last evaluated 2026-01-28.

Conditions:
Ciliary dyskinesia, primary, 42. Also called: CILIARY DYSKINESIA, PRIMARY, 42, WITHOUT SITUS INVERSUS. Identifiers: MedGen C5231464, MONDO:0032872, OMIM 618695.
Primary ciliary dyskinesia. Also called: Ciliary dyskinesia. Identifiers: Orphanet 244, MedGen C0008780, MONDO:0016575, HP:0012265.

Allele frequency attached by ClinVar (database versions not stated): ExAC below 0.00001; gnomAD exomes 0.00036 and 0.00201; gnomAD 0.00085 and 0.00086; TOPMed 0.00145; 1000 Genomes Project 0.00200; 1000 Genomes Project 30x 0.00250.

Submissions (4):

Labcorp Genetics (formerly Invitae), Labcorp
Classification: Benign for Primary ciliary dyskinesia. Last evaluated: 2026-01-28. Review status: criteria provided, single submitter. Criteria: Invitae Variant Classification Sherloc (09022015). Collection method: clinical testing. Allele origin: germline.

Mayo Clinic Laboratories, Mayo Clinic
Classification: Likely benign. Last evaluated: 2025-02-07. Review status: criteria provided, single submitter. Criteria: ACMG Guidelines, 2015. Collection method: clinical testing. Allele origin: germline. Observed: 1 variant allele.
Comment: BS1, BP4, BP7

Blueprint Genetics
Classification: Likely benign. Last evaluated: 2024-11-26. Review status: criteria provided, single submitter. Criteria: ACMG Guidelines, 2015. Collection method: clinical testing. Allele origin: germline.

ARUP Laboratories, Molecular Genetics and Genomics, ARUP Laboratories
Classification: Likely benign for Ciliary dyskinesia, primary, 42. Last evaluated: 2023-10-14. Review status: criteria provided, single submitter. Criteria: ARUP Molecular Germline Variant Investigation Process 2024. Collection method: clinical testing. Allele origin: germline.